The following is an entry in ClinVar:

NM_004963.4(GUCY2C):c.1201G>A (p.Val401Ile)

Genes: GUCY2C (guanylate cyclase 2C; minus strand), GUCY2C-AS1 (GUCY2C antisense RNA 1; plus strand). Cytogenetic location: 12p12.3.
Variant type: single nucleotide variant.
Coding change: c.1201G>A on transcript NM_004963.4 (MANE Select); coding-DNA position 1201, G replaced by A.
Protein change: p.Val401Ile; replaces valine 401 with isoleucine.
Molecular consequence: missense variant.
Genome position (GRCh38, 1-based): chr12:14,669,803, C>T on the plus strand (G>A on the coding strand, the complement: GUCY2C is on the minus strand). VCF-style: chr12-14669803-C-T. GRCh37 (hg19) VCF-style: chr12-14822737-C-T.
Other names: c.1201G>A (NM_004963.3); short protein forms V401I.
Identifiers: ClinVar variation 1008461 (VCV001008461.10), dbSNP rs201126623, ClinGen allele CA6463497.

ClinVar aggregate classification (germline): Uncertain significance. Review status: criteria provided, multiple submitters, no conflicts (2 of 4 stars). 2 submissions from 2 submitters: Uncertain significance (2). Last evaluated 2026-01-11.

Conditions:
Inborn genetic diseases. Identifiers: MedGen C0950123, MeSH D030342.

Allele frequency attached by ClinVar (database versions not stated): ESP Exome Variant Server 0.00008; gnomAD 0.00008 and 0.00010; gnomAD exomes 0.00009 and 0.00015; ExAC 0.00014; TOPMed 0.00014; 1000 Genomes Project 30x 0.00016; 1000 Genomes Project 0.00020.
gnomAD v4.1: 146 of 1,594,500 alleles (0.0092%); highest among the groups gnomAD compares: East Asian, 0.15%; no homozygotes.

Submissions (2):

Labcorp Genetics (formerly Invitae), Labcorp
Classification: Uncertain significance. Last evaluated: 2026-01-11. Review status: criteria provided, single submitter. Criteria: Invitae Variant Classification Sherloc (09022015). Collection method: clinical testing. Allele origin: germline.
Comment: This sequence change replaces valine, which is neutral and non-polar, with isoleucine, which is neutral and non-polar, at codon 401 of the GUCY2C protein (p.Val401Ile). This variant is present in population databases (rs201126623, gnomAD 0.1%). This variant has not been reported in the literature in individuals affected with GUCY2C-related conditions. ClinVar contains an entry for this variant (Variation ID: 1008461). Invitae Evidence Modeling of protein sequence and biophysical properties (such as structural, functional, and spatial information, amino acid conservation, physicochemical variation, residue mobility, and thermodynamic stability) indicates that this missense variant is not expected to disrupt GUCY2C protein function with a negative predictive value of 80%. In summary, the available evidence is currently insufficient to determine the role of this variant in disease. Therefore, it has been classified as a Variant of Uncertain Significance.

Ambry Genetics
Classification: Uncertain significance for Inborn genetic diseases. Last evaluated: 2023-11-17. Review status: criteria provided, single submitter. Criteria: Ambry Variant Classification Scheme 2023. Collection method: clinical testing. Allele origin: germline.